The following is an entry in ClinVar:

ClinVar aggregate classification (germline): Uncertain significance (1 of 4 stars; one submission).

Conditions:
Combined immunodeficiency due to STK4 deficiency (IMD110). Also called: STK4 DEFICIENCY; MST1 DEFICIENCY; T-cell immunodeficiency, recurrent infections, and autoimmunity with or without cardiac malformations. Identifiers: Orphanet 314689, MedGen C3553943, MONDO:0013934, OMIM 614868.

Allele frequency attached by ClinVar (database versions not stated): gnomAD exomes below 0.00001 and 0.00002; TOPMed 0.00003; gnomAD 0.00005; ESP Exome Variant Server 0.00023.
gnomAD v4.1: 29 of 1,601,576 alleles (0.0018%); highest among the groups gnomAD compares: African/African-American, 0.0081%; no homozygotes.

Submission:

Labcorp Genetics (formerly Invitae), Labcorp
Classification: Uncertain significance for Combined immunodeficiency due to STK4 deficiency. Last evaluated: 2024-01-29. Review status: criteria provided, single submitter. Criteria: Invitae Variant Classification Sherloc (09022015). Collection method: clinical testing. Allele origin: germline.
Comment: This sequence change replaces threonine, which is neutral and polar, with isoleucine, which is neutral and non-polar, at codon 273 of the STK4 protein (p.Thr273Ile). This variant is present in population databases (rs374505931, gnomAD 0.008%). This variant has not been reported in the literature in individuals affected with STK4-related conditions. ClinVar contains an entry for this variant (Variation ID: 967872). Advanced modeling of protein sequence and biophysical properties (such as structural, functional, and spatial information, amino acid conservation, physicochemical variation, residue mobility, and thermodynamic stability) performed at Invitae indicates that this missense variant is not expected to disrupt STK4 protein function with a negative predictive value of 95%. In summary, the available evidence is currently insufficient to determine the role of this variant in disease. Therefore, it has been classified as a Variant of Uncertain Significance.

NM_006282.5(STK4):c.818C>T (p.Thr273Ile)

Gene: STK4 (serine/threonine kinase 4; plus strand). Cytogenetic location: 20q13.12.
Variant type: single nucleotide variant.
Coding change: c.818C>T on transcript NM_006282.5 (MANE Select); coding-DNA position 818, C replaced by T.
Protein change: p.Thr273Ile; replaces threonine 273 with isoleucine.
Molecular consequence: missense variant.
Genome position (GRCh38, 1-based): chr20:44,997,293, C>T. VCF-style: chr20-44997293-C-T. GRCh37 (hg19) VCF-style: chr20-43625934-C-T.
Other names: c.818C>T, p.Thr273Ile (NM_001352385.2); short protein forms T273I.
Identifiers: ClinVar variation 967872 (VCV000967872.8), dbSNP rs374505931, ClinGen allele CA315489950.
Genomic context (GRCh38, chr20:44,997,293, plus strand): 5'-ACTTTACAGATTTTGTGAAACAGTGTCTTGTAAAGAGCCCTGAGCAGAGGGCCACAGCCA[C>T]TCAGCTCCTGCAGGTATGAATCACCCTGTGATGCCATCTCGCTCCATTTCATTTACTTGC-3'
Protein context (NP_006273.1, residues 263-283): VKSPEQRATA[Thr273Ile]QLLQHPFVRS